The following is an entry in ClinVar:

NM_000525.4(KCNJ11):c.848T>A (p.Ile283Asn)

Gene: KCNJ11 (potassium inwardly rectifying channel subfamily J member 11; minus strand). Cytogenetic location: 11p15.1.
Variant type: single nucleotide variant.
Coding change: c.848T>A on transcript NM_000525.4 (MANE Select); coding-DNA position 848, T replaced by A.
Protein change: p.Ile283Asn; replaces isoleucine 283 with asparagine.
Molecular consequence: missense variant.
Genome position (GRCh38, 1-based): chr11:17,387,244, A>T on the plus strand (T>A on the coding strand, the complement: KCNJ11 is on the minus strand). VCF-style: chr11-17387244-A-T. GRCh37 (hg19) VCF-style: chr11-17408791-A-T.
Other names: c.587T>A, p.Ile196Asn (NM_001166290.2, NM_001377296.1, NM_001377297.1); short protein forms I196N, I283N.
Identifiers: ClinVar variation 2446087 (VCV002446087.1), dbSNP rs1248339289, ClinGen allele CA379770307.

ClinVar aggregate classification (germline): Uncertain significance (1 of 4 stars; one submission).

Allele frequency attached by ClinVar (database versions not stated): TOPMed below 0.00001; gnomAD 0.00001.

Submission:

GeneDx
Classification: Uncertain significance. Last evaluated: 2022-09-22. Review status: criteria provided, single submitter. Criteria: GeneDx Variant Classification Process June 2021. Collection method: clinical testing. Allele origin: germline. Affected: yes.
Comment: Not observed at significant frequency in large population cohorts (gnomAD); In silico analysis supports that this missense variant has a deleterious effect on protein structure/function; Has not been previously published as pathogenic or benign to our knowledge